The following is an entry in ClinVar:

ClinVar aggregate classification (germline): Uncertain significance. Review status: criteria provided, multiple submitters, no conflicts (2 of 4 stars). 3 submissions from 3 submitters: Uncertain significance (3). Last evaluated 2026-01-14.

Conditions:
Hereditary cancer-predisposing syndrome. Also called: Tumor predisposition; Neoplastic Syndromes, Hereditary; Hereditary Cancer Syndrome; Hereditary neoplastic syndrome. Identifiers: Orphanet 140162, MedGen C0027672, MeSH D009386, MONDO:0015356.

Allele frequency attached by ClinVar (database versions not stated): gnomAD exomes 0.00001.
gnomAD v4.1: 8 of 1,613,998 alleles (0.0005%); highest among the groups gnomAD compares: Non-Finnish European, 0.00068%; no homozygotes.

Submissions (3):

Labcorp Genetics (formerly Invitae), Labcorp
Classification: Uncertain significance. Last evaluated: 2026-01-14. Review status: criteria provided, single submitter. Criteria: Invitae Variant Classification Sherloc (09022015). Collection method: clinical testing. Allele origin: germline.
Comment: This sequence change replaces phenylalanine, which is neutral and non-polar, with leucine, which is neutral and non-polar, at codon 218 of the SMARCB1 protein (p.Phe218Leu). This variant is not present in population databases (gnomAD no frequency). This variant has not been reported in the literature in individuals affected with SMARCB1-related conditions. ClinVar contains an entry for this variant (Variation ID: 1707957). Invitae Evidence Modeling of protein sequence and biophysical properties (such as structural, functional, and spatial information, amino acid conservation, physicochemical variation, residue mobility, and thermodynamic stability) indicates that this missense variant is not expected to disrupt SMARCB1 protein function with a negative predictive value of 80%. In summary, the available evidence is currently insufficient to determine the role of this variant in disease. Therefore, it has been classified as a Variant of Uncertain Significance.

Ambry Genetics
Classification: Uncertain significance for Hereditary cancer-predisposing syndrome. Last evaluated: 2025-08-20. Review status: criteria provided, single submitter. Criteria: Ambry Variant Classification Scheme 2023. Collection method: clinical testing. Allele origin: germline.
Comment: The p.F218L variant (also known as c.652T>C), located in coding exon 6 of the SMARCB1 gene, results from a T to C substitution at nucleotide position 652. The phenylalanine at codon 218 is replaced by leucine, an amino acid with highly similar properties. This amino acid position is highly conserved in available vertebrate species. In addition, this alteration is predicted to be deleterious by in silico analysis. Based on the available evidence, the clinical significance of this variant remains unclear.

GeneDx
Classification: Uncertain significance. Last evaluated: 2022-03-28. Review status: criteria provided, single submitter. Criteria: GeneDx Variant Classification Process June 2021. Collection method: clinical testing. Allele origin: germline. Affected: yes.
Comment: Not observed at significant frequency in large population cohorts (gnomAD); In silico analysis supports that this missense variant has a deleterious effect on protein structure/function; Has not been previously published as pathogenic or benign to our knowledge; This variant is associated with the following publications: (PMID: 26073604)

NM_003073.5(SMARCB1):c.652T>C (p.Phe218Leu)

Gene: SMARCB1 (SWI/SNF related BAF chromatin remodeling complex subunit B1; plus strand). Cytogenetic location: 22q11.23.
Variant type: single nucleotide variant.
Coding change: c.652T>C on transcript NM_003073.5 (MANE Select); coding-DNA position 652, T replaced by C.
Protein change: p.Phe218Leu; replaces phenylalanine 218 with leucine.
Molecular consequence: missense variant.
Genome position (GRCh38, 1-based): chr22:23,816,793, T>C. VCF-style: chr22-23816793-T-C. GRCh37 (hg19) VCF-style: chr22-24158980-T-C.
Other names: c.625T>C, p.Phe209Leu (NM_001007468.3); c.679T>C, p.Phe227Leu (NM_001317946.2); c.706T>C, p.Phe236Leu (NM_001362877.2); short protein forms F209L, F218L, F227L, F236L.
Identifiers: ClinVar variation 1707957 (VCV001707957.7), dbSNP rs2146009419, ClinGen allele CA410901123.